The following is an entry in ClinVar:

NM_138694.4(PKHD1):c.5909-1G>C

Gene: PKHD1 (PKHD1 ciliary IPT domain containing fibrocystin/polyductin; minus strand). Cytogenetic location: 6p12.2.
Variant type: single nucleotide variant.
Coding change: c.5909-1G>C on transcript NM_138694.4 (MANE Select); the canonical splice acceptor site of the intron before coding-DNA position 5909, G replaced by C.
Molecular consequence: splice acceptor variant.
Genome position (GRCh38, 1-based): chr6:51,934,323, C>G on the plus strand (G>C on the coding strand, the complement: PKHD1 is on the minus strand). VCF-style: chr6-51934323-C-G. GRCh37 (hg19) VCF-style: chr6-51799121-C-G.
Other names: c.5909-1G>C (NM_170724.3).
Identifiers: ClinVar variation 4816706 (VCV004816706.1).

ClinVar aggregate classification (germline): Likely pathogenic (1 of 4 stars; one submission).

Conditions:
Autosomal recessive polycystic kidney disease (ARPKD). Also called: AR polycystic kidney disease. Identifiers: Orphanet 731, Orphanet 8378, MedGen C0085548, MeSH D017044, MONDO:0009889.

gnomAD v4.1: 1 of 1,607,104 alleles (0.000062%); highest among the groups gnomAD compares: Non-Finnish European, 0.000085%; no homozygotes.

Submission:

Natera, Inc.
Classification: Likely pathogenic for Autosomal recessive polycystic kidney disease. Last evaluated: 2024-11-18. Review status: criteria provided, single submitter. Criteria: Natera Variant Classification Schema (03/2026). Collection method: clinical testing. Allele origin: germline.
Comment: The c.5909-1G>C variant in PKHD1 is a canonical splice acceptor site variant predicted to affect pre-mRNA splicing, which may result in an abnormal transcript and altered protein product. This variant is expected to result in nonsense mediated decay, truncation, or a dysfunctional protein product. This variant is rare in the general population with a frequency below the threshold expected for the associated phenotype(s). Given the available evidence, this variant is classified as Likely Pathogenic.